The following is an entry in ClinVar:

NM_001083962.2(TCF4):c.622A>G (p.Thr208Ala)

Gene: TCF4 (transcription factor 4; minus strand). Cytogenetic location: 18q21.2.
Variant type: single nucleotide variant.
Coding change: c.622A>G on transcript NM_001083962.2 (MANE Select); coding-DNA position 622, A replaced by G.
Protein change: p.Thr208Ala; replaces threonine 208 with alanine.
Molecular consequence: missense variant. On other transcripts: 5 prime UTR variant (1).
Genome position (GRCh38, 1-based): chr18:55,279,584, T>C on the plus strand (A>G on the coding strand, the complement: TCF4 is on the minus strand). VCF-style: chr18-55279584-T-C. GRCh37 (hg19) VCF-style: chr18-52946815-T-C.
Other names: c.928A>G, p.Thr310Ala (NM_001243226.3); c.550A>G, p.Thr184Ala (NM_001243227.2, NM_001306207.1, NM_001348217.1 and 9 more transcripts); c.640A>G, p.Thr214Ala (NM_001243228.2); c.616A>G, p.Thr206Ala (NM_001243230.2); c.496A>G, p.Thr166Ala (NM_001243231.2, NM_001348211.2); c.409A>G, p.Thr137Ala (NM_001243232.1, NM_001306208.1); c.232A>G, p.Thr78Ala (NM_001243233.2, NM_001330605.3, NM_001348212.2 and 1 more transcripts); c.142A>G, p.Thr48Ala (NM_001243234.2, NM_001243235.2, NM_001243236.2 and 2 more transcripts); and 4 more; short protein forms T208A, T310A, T166A, T206A, T78A, T137A, T183A, T184A.
Identifiers: ClinVar variation 1514813 (VCV001514813.6), dbSNP rs1040642298, ClinGen allele CA301118381.

ClinVar aggregate classification (germline): Uncertain significance (1 of 4 stars; one submission).

Conditions:
Pitt-Hopkins syndrome (PTHS). Also called: ENCEPHALOPATHY, SEVERE EPILEPTIC, WITH AUTONOMIC DYSFUNCTION; MENTAL RETARDATION, SYNDROMAL, WITH INTERMITTENT HYPERVENTILATION. Identifiers: Orphanet 2896, MedGen C1970431, MONDO:0012589, OMIM 610954.

Allele frequency attached by ClinVar (database versions not stated): gnomAD exomes below 0.00001.
gnomAD v4.1: 1 of 1,613,934 alleles (0.000062%); highest among the groups gnomAD compares: Non-Finnish European, 0.000085%; no homozygotes.

Submission:

Labcorp Genetics (formerly Invitae), Labcorp
Classification: Uncertain significance for Pitt-Hopkins syndrome. Last evaluated: 2024-12-02. Review status: criteria provided, single submitter. Criteria: Invitae Variant Classification Sherloc (09022015). Collection method: clinical testing. Allele origin: germline.
Comment: This sequence change replaces threonine, which is neutral and polar, with alanine, which is neutral and non-polar, at codon 208 of the TCF4 protein (p.Thr208Ala). This variant is not present in population databases (gnomAD no frequency). This variant has not been reported in the literature in individuals affected with TCF4-related conditions. ClinVar contains an entry for this variant (Variation ID: 1514813). Invitae Evidence Modeling of protein sequence and biophysical properties (such as structural, functional, and spatial information, amino acid conservation, physicochemical variation, residue mobility, and thermodynamic stability) indicates that this missense variant is not expected to disrupt TCF4 protein function with a negative predictive value of 95%. In summary, the available evidence is currently insufficient to determine the role of this variant in disease. Therefore, it has been classified as a Variant of Uncertain Significance.